The following is an entry in ClinVar:

NM_000038.6(APC):c.3683A>C (p.Gln1228Pro)

Gene: APC (APC regulator of Wnt signaling pathway; plus strand). Cytogenetic location: 5q22.2.
Variant type: single nucleotide variant.
Coding change: c.3683A>C on transcript NM_000038.6 (MANE Select); coding-DNA position 3683, A replaced by C.
Protein change: p.Gln1228Pro; replaces glutamine 1228 with proline.
Molecular consequence: missense variant. On other transcripts: non-coding transcript variant (2).
Genome position (GRCh38, 1-based): chr5:112,839,277, A>C. VCF-style: chr5-112839277-A-C. GRCh37 (hg19) VCF-style: chr5-112174974-A-C.
Other names: c.3683A>C, p.Gln1228Pro (NM_001127510.3, NM_001354895.2, NM_001407450.1); c.3629A>C, p.Gln1210Pro (NM_001127511.3); c.3737A>C, p.Gln1246Pro (NM_001354896.2, NM_001407447.1, NM_001407448.1 and 1 more transcripts); c.3713A>C, p.Gln1238Pro (NM_001354897.2); c.3608A>C, p.Gln1203Pro (NM_001354898.2); c.3599A>C, p.Gln1200Pro (NM_001354899.2); c.3560A>C, p.Gln1187Pro (NM_001354900.2); c.3506A>C, p.Gln1169Pro (NM_001354901.2, NM_001407453.1); and 11 more; short protein forms Q1200P, Q1228P, Q1102P, Q1127P, Q1137P, Q1203P, Q1238P, Q1256P.
Identifiers: ClinVar variation 3304450 (VCV003304450.1).

ClinVar aggregate classification (germline): Uncertain significance (1 of 4 stars; one submission).

Conditions:
Hereditary cancer-predisposing syndrome. Also called: Tumor predisposition; Hereditary Cancer Syndrome; Hereditary neoplastic syndrome; Neoplastic Syndromes, Hereditary. Identifiers: Orphanet 140162, MedGen C0027672, MeSH D009386, MONDO:0015356.

Submission:

Ambry Genetics
Classification: Uncertain significance for Hereditary cancer-predisposing syndrome. Last evaluated: 2024-04-01. Review status: criteria provided, single submitter. Criteria: Ambry Variant Classification Scheme 2023. Collection method: clinical testing. Allele origin: germline.
Comment: The p.Q1228P variant (also known as c.3683A>C), located in coding exon 15 of the APC gene, results from an A to C substitution at nucleotide position 3683. The glutamine at codon 1228 is replaced by proline, an amino acid with similar properties. This amino acid position is conserved. In addition, in silico predictors for this gene do not accurately predict pathogenicity. Based on the available evidence, the clinical significance of this alteration remains unclear.